The following is an entry in ClinVar:

ClinVar aggregate classification (germline): Likely benign. Review status: criteria provided, multiple submitters, no conflicts (2 of 4 stars). 3 submissions from 3 submitters: Likely benign (2). 1 of the submissions does not count toward it. Last evaluated 2025-10-15.

Conditions:
Early-infantile DEE. Also called: Early infantile epileptic encephalopathy with suppression bursts; Early infantile epileptic encephalopathy; Ohtahara syndrome. Identifiers: Orphanet 1934, MedGen C0393706, MONDO:0800491.
SPTAN1-related disorder. Also called: SPTAN1-related disorders; SPTAN1-related condition.

Allele frequency attached by ClinVar (database versions not stated): gnomAD exomes 0.00002; TOPMed 0.00003; gnomAD 0.00001; ExAC 0.00002.
gnomAD v4.1: 39 of 1,614,016 alleles (0.0024%); highest among the groups gnomAD compares: Middle Eastern, 0.033%; no homozygotes.

Submissions (3):

Labcorp Genetics (formerly Invitae), Labcorp
Classification: Likely benign for Early-infantile DEE. Last evaluated: 2025-10-15. Review status: criteria provided, single submitter. Criteria: Invitae Variant Classification Sherloc (09022015). Collection method: clinical testing. Allele origin: germline.

CeGaT Center for Human Genetics Tuebingen
Classification: Likely benign. Last evaluated: 2025-03-01. Review status: criteria provided, single submitter. Criteria: CeGaT Center For Human Genetics Tuebingen Variant Classification Criteria Version 2. Collection method: clinical testing. Allele origin: germline. Affected: yes. Observed: 1 variant allele.
Comment: SPTAN1: BP4, BP7

PreventionGenetics, part of Exact Sciences
Classification: Likely benign for SPTAN1-related condition. Last evaluated: 2020-02-04. Review status: no assertion criteria provided. Collection method: clinical testing. Allele origin: germline. Not counted in ClinVar's aggregate classification.
Comment: This variant is classified as likely benign based on ACMG/AMP sequence variant interpretation guidelines (Richards et al. 2015 PMID: 25741868, with internal and published modifications).

NM_001130438.3(SPTAN1):c.2928C>T (p.Tyr976=)

Gene: SPTAN1 (spectrin alpha, non-erythrocytic 1; plus strand). Cytogenetic location: 9q34.11.
Variant type: single nucleotide variant.
Coding change: c.2928C>T on transcript NM_001130438.3 (MANE Select); coding-DNA position 2928, C replaced by T.
Protein change: p.Tyr976=; no amino-acid change (tyrosine 976 retained).
Molecular consequence: synonymous variant.
Genome position (GRCh38, 1-based): chr9:128,588,865, C>T. VCF-style: chr9-128588865-C-T. GRCh37 (hg19) VCF-style: chr9-131351144-C-T.
Other names: c.2928C>T, p.Tyr976= (NM_001195532.2, NM_001363759.2, NM_001363765.2 and 1 more transcripts).
Identifiers: ClinVar variation 416895 (VCV000416895.21), dbSNP rs756378105, ClinGen allele CA5264773.